The following is an entry in ClinVar:

NM_013275.6(ANKRD11):c.6373G>A (p.Ala2125Thr)

Gene: ANKRD11 (ankyrin repeat domain 11; minus strand). Cytogenetic location: 16q24.3.
Variant type: single nucleotide variant.
Coding change: c.6373G>A on transcript NM_013275.6 (MANE Select); coding-DNA position 6373, G replaced by A.
Protein change: p.Ala2125Thr; replaces alanine 2125 with threonine.
Molecular consequence: missense variant.
Genome position (GRCh38, 1-based): chr16:89,280,169, C>T on the plus strand (G>A on the coding strand, the complement: ANKRD11 is on the minus strand). VCF-style: chr16-89280169-C-T. GRCh37 (hg19) VCF-style: chr16-89346577-C-T.
Other names: c.6373G>A, p.Ala2125Thr (NM_001256182.2, NM_001256183.2); short protein forms A2125T.
Identifiers: ClinVar variation 4810000 (VCV004810000.1).

ClinVar aggregate classification (germline): Uncertain significance (1 of 4 stars; one submission).

Conditions:
KBG syndrome (KBGS). Also called: ANKRD11-Related KBG Syndrome. Identifiers: Orphanet 2332, MedGen C0220687, MONDO:0007846, OMIM 148050.

gnomAD v4.1: 32 of 1,608,966 alleles (0.002%); highest among the groups gnomAD compares: Non-Finnish European, 0.0025%; no homozygotes.

Submission:

Labcorp Genetics (formerly Invitae), Labcorp
Classification: Uncertain significance for KBG syndrome. Last evaluated: 2026-01-07. Review status: criteria provided, single submitter. Criteria: Invitae Variant Classification Sherloc (09022015). Collection method: clinical testing. Allele origin: germline.
Comment: This sequence change replaces alanine, which is neutral and non-polar, with threonine, which is neutral and polar, at codon 2125 of the ANKRD11 protein (p.Ala2125Thr). The frequency data for this variant in the population databases is considered unreliable, as metrics indicate poor data quality at this position in the gnomAD database. This variant has not been reported in the literature in individuals affected with ANKRD11-related conditions. Invitae Evidence Modeling of protein sequence and biophysical properties (such as structural, functional, and spatial information, amino acid conservation, physicochemical variation, residue mobility, and thermodynamic stability) indicates that this missense variant is not expected to disrupt ANKRD11 protein function with a negative predictive value of 95%. In summary, the available evidence is currently insufficient to determine the role of this variant in disease. Therefore, it has been classified as a Variant of Uncertain Significance.